The following is an entry in ClinVar:

NM_006941.4(SOX10):c.407_408insCGCT (p.Lys136fs)

Genes: POLR2F (RNA polymerase II, I and III subunit F; plus strand), SOX10 (SRY-box transcription factor 10; minus strand). Cytogenetic location: 22q13.1.
Variant type: Insertion.
Coding change: c.407_408insCGCT on transcript NM_006941.4 (MANE Select); coding-DNA positions 407 to 408, CGCT inserted.
Protein change: p.Lys136fs; shifts the reading frame from lysine 136.
Molecular consequence: frameshift variant. On other transcripts: intron variant (3).
Genome position: GRCh38 VCF-style: chr22-37983377-C-CAGCG. GRCh37 (hg19) VCF-style: chr22-38379384-C-CAGCG.
Other names: c.*38+11067_*38+11068insAGCG (NM_001363825.1); c.294-2777_294-2776insAGCG (NM_001301130.2); c.293+16207_293+16208insAGCG (NM_001301131.2); short protein forms K136fs.
Identifiers: ClinVar variation 3601829 (VCV003601829.1).
Genomic context (GRCh38, chr22:37,983,377, plus strand): 5'-AGCTAGAGGGCCCGAGCCCGGGGGGCGGTCGGGTGCTCACCTCCAGAGCTTGCCCAGCGT[C>CAGCG]TTGCTGAGCTCAGCGTTGTGCAGGTGCGGGTACTGGTCCGCGAGCTTCCTGCGCGCTGCC-3'

ClinVar aggregate classification (germline): Pathogenic (1 of 4 stars; one submission).

Conditions:
Waardenburg syndrome type 4C (WS4C). Also called: WAARDENBURG SYNDROME WITH HIRSCHSPRUNG DISEASE, TYPE 4C. Identifiers: Orphanet 897, MedGen C2750452, MONDO:0013202, OMIM 613266.

Submission:

Institute of Rare Diseases, West China Hospital, Sichuan University
Classification: Pathogenic for Waardenburg syndrome type 4C. Last evaluated: 2025-01-09. Review status: criteria provided, single submitter. Criteria: ClinGen HL ACMG Specifications v1. Collection method: research. Allele origin: germline. Affected: yes.
Comment: PM1;PVS1;PM2_Supporting